The following is an entry in ClinVar:

NM_001386140.1(MTTP):c.967G>A (p.Ala323Thr)

Gene: MTTP (microsomal triglyceride transfer protein; plus strand). Cytogenetic location: 4q23.
Variant type: single nucleotide variant.
Coding change: c.967G>A on transcript NM_001386140.1 (MANE Select); coding-DNA position 967, G replaced by A.
Protein change: p.Ala323Thr; replaces alanine 323 with threonine.
Molecular consequence: missense variant.
Genome position (GRCh38, 1-based): chr4:99,597,124, G>A. VCF-style: chr4-99597124-G-A. GRCh37 (hg19) VCF-style: chr4-100518281-G-A.
Other names: c.967G>A, p.Ala323Thr (NM_000253.4); c.718G>A, p.Ala240Thr (NM_001300785.2); short protein forms A240T, A323T.
Identifiers: ClinVar variation 1057083 (VCV001057083.5), dbSNP rs2110222185, ClinGen allele CA357506734.

ClinVar aggregate classification (germline): Uncertain significance (1 of 4 stars; one submission).

Submission:

Labcorp Genetics (formerly Invitae), Labcorp
Classification: Uncertain significance. Last evaluated: 2020-01-31. Review status: criteria provided, single submitter. Criteria: Invitae Variant Classification Sherloc (09022015). Collection method: clinical testing. Allele origin: germline.
Comment: In summary, the available evidence is currently insufficient to determine the role of this variant in disease. Therefore, it has been classified as a Variant of Uncertain Significance. Algorithms developed to predict the effect of missense changes on protein structure and function output the following: SIFT: "Tolerated"; PolyPhen-2: "Benign"; Align-GVGD: "Class C0". The threonine amino acid residue is found in multiple mammalian species, suggesting that this missense change does not adversely affect protein function. These predictions have not been confirmed by published functional studies and their clinical significance is uncertain. This variant has not been reported in the literature in individuals with MTTP-related conditions. This variant is not present in population databases (ExAC no frequency). This sequence change replaces alanine with threonine at codon 323 of the MTTP protein (p.Ala323Thr). The alanine residue is highly conserved and there is a small physicochemical difference between alanine and threonine.